The following is an entry in ClinVar:

ClinVar aggregate classification (germline): Uncertain significance. Review status: criteria provided, multiple submitters, no conflicts (2 of 4 stars). 11 submissions from 11 submitters: Uncertain significance (9). 2 of the submissions do not count toward it. Last evaluated 2025-11-01.

Conditions:
Donnai-Barrow syndrome. Also called: DBS/FOAR SYNDROME; FACIOOCULOACOUSTICORENAL SYNDROME. Identifiers: Orphanet 2143, MedGen C1857277, MONDO:0009104, OMIM 222448.
DSD incomplete virilization.
LRP2-related disorder. Also called: LRP2-related condition.
Inborn genetic diseases. Identifiers: MedGen C0950123, MeSH D030342.

Allele frequency attached by ClinVar (database versions not stated): gnomAD exomes 0.00021 and 0.00044; ExAC 0.00024; TOPMed 0.00024; gnomAD 0.00036 and 0.00038; ESP Exome Variant Server 0.00038.
gnomAD v4.1: 674 of 1,613,246 alleles (0.042%); highest among the groups gnomAD compares: Non-Finnish European, 0.055%; no homozygotes.

Submissions (11):

CeGaT Center for Human Genetics Tuebingen
Classification: Uncertain significance. Last evaluated: 2025-11-01. Review status: criteria provided, single submitter. Criteria: CeGaT Center For Human Genetics Tuebingen Variant Classification Criteria Version 2. Collection method: clinical testing. Allele origin: germline. Affected: yes. Observed: 1 variant allele.

Blueprint Genetics
Classification: Uncertain significance. Last evaluated: 2024-10-18. Review status: criteria provided, single submitter. Criteria: ACMG Guidelines, 2015. Collection method: clinical testing. Allele origin: germline.

Fulgent Genetics
Classification: Uncertain significance for Donnai-Barrow syndrome. Last evaluated: 2024-06-10. Review status: criteria provided, single submitter. Criteria: ACMG Guidelines, 2015. Collection method: clinical testing. Allele origin: germline.

Labcorp Genetics (formerly Invitae), Labcorp
Classification: Uncertain significance. Last evaluated: 2022-11-01. Review status: criteria provided, single submitter. Criteria: Invitae Variant Classification Sherloc (09022015). Collection method: clinical testing. Allele origin: germline.
Comment: This sequence change replaces glutamic acid, which is acidic and polar, with valine, which is neutral and non-polar, at codon 3763 of the LRP2 protein (p.Glu3763Val). This variant is present in population databases (rs200475391, gnomAD 0.04%). This variant has not been reported in the literature in individuals affected with LRP2-related conditions. ClinVar contains an entry for this variant (Variation ID: 520735). Advanced modeling of protein sequence and biophysical properties (such as structural, functional, and spatial information, amino acid conservation, physicochemical variation, residue mobility, and thermodynamic stability) performed at Invitae indicates that this missense variant is expected to disrupt LRP2 protein function. In summary, the available evidence is currently insufficient to determine the role of this variant in disease. Therefore, it has been classified as a Variant of Uncertain Significance.

Department of Pathology and Laboratory Medicine, Sinai Health System
Classification: Uncertain significance for Donnai-Barrow syndrome. Last evaluated: 2022-06-22. Review status: criteria provided, single submitter. Criteria: ACMG Guidelines, 2015. Collection method: research. Allele origin: germline.

Genome-Nilou Lab
Classification: Uncertain significance for Donnai-Barrow syndrome. Last evaluated: 2021-07-15. Review status: criteria provided, single submitter. Criteria: ACMG Guidelines, 2015. Collection method: clinical testing. Allele origin: germline. Affected: no.

Eurofins Ntd Llc (ga)
Classification: Uncertain significance. Last evaluated: 2018-08-22. Review status: criteria provided, single submitter. Criteria: EGL ClinVar v180209 classification definitions. Collection method: clinical testing. Allele origin: germline. Observed: 1 variant allele, 1 heterozygote.

Ambry Genetics
Classification: Uncertain significance for Inborn genetic diseases. Last evaluated: 2015-08-03. Review status: criteria provided, single submitter. Criteria: Ambry exome assertion method (8-5-2015). Collection method: clinical testing. Allele origin: germline. Affected: yes. Observed: 1 variant allele.

Breakthrough Genomics
Classification: Uncertain significance. Review status: criteria provided, single submitter. Criteria: ACMG Guidelines, 2015. Collection method: not provided. Allele origin: germline. Inheritance: Autosomal recessive inheritance. Affected: yes.

PreventionGenetics, part of Exact Sciences
Classification: Uncertain significance for LRP2-related condition. Last evaluated: 2024-09-19. Review status: no assertion criteria provided. Collection method: clinical testing. Allele origin: germline. Not counted in ClinVar's aggregate classification.
Comment: The LRP2 c.11288A>T variant is predicted to result in the amino acid substitution p.Glu3763Val. This variant was reported in one individual with hypoplastic left heart syndrome, but was also observed in two controls (Supp. Table 7 in Theis et al 2020. PubMed ID: 33006316). This variant was also reported in an individual with 46,XY differences of sex development (Marko HL et al 2022. PubMed ID: 34979047). This variant is reported in 0.044% of alleles in individuals of European (non-Finnish) descent in gnomAD. At this time, the clinical significance of this variant is uncertain due to the absence of conclusive functional and genetic evidence.

Ulrich Schweizer laboratory, Universitaetsklinikum Bonn
Classification: Likely pathogenic for DSD incomplete virilization. Last evaluated: 2021-09-01. Review status: no assertion criteria provided. Collection method: clinical testing. Allele origin: unknown. Affected: yes. Not counted in ClinVar's aggregate classification.

Literature cited by the submitters: PubMed 34979047 (cited by Ulrich Schweizer laboratory, Universitaetsklinikum Bonn).

NM_004525.3(LRP2):c.11288A>T (p.Glu3763Val)

Gene: LRP2 (LDL receptor related protein 2; minus strand). Cytogenetic location: 2q31.1.
Variant type: single nucleotide variant.
Coding change: c.11288A>T on transcript NM_004525.3 (MANE Select); coding-DNA position 11288, A replaced by T.
Protein change: p.Glu3763Val; replaces glutamic acid 3763 with valine.
Molecular consequence: missense variant.
Genome position (GRCh38, 1-based): chr2:169,170,643, T>A on the plus strand (A>T on the coding strand, the complement: LRP2 is on the minus strand). VCF-style: chr2-169170643-T-A. GRCh37 (hg19) VCF-style: chr2-170027153-T-A.
Other names: short protein forms E3763V.
Identifiers: ClinVar variation 520735 (VCV000520735.45), dbSNP rs200475391, ClinGen allele CA1953117.